The following is an entry in ClinVar:

ClinVar aggregate classification (germline): Uncertain significance (1 of 4 stars; one submission).

Conditions:
Hereditary cancer-predisposing syndrome. Also called: Neoplastic Syndromes, Hereditary; Tumor predisposition; Hereditary neoplastic syndrome; Hereditary Cancer Syndrome. Identifiers: Orphanet 140162, MedGen C0027672, MeSH D009386, MONDO:0015356.

gnomAD v4.1: 1 of 1,612,042 alleles (0.000062%); highest among the groups gnomAD compares: Non-Finnish European, 0.000085%; no homozygotes.

Submission:

Ambry Genetics
Classification: Uncertain significance for Hereditary cancer-predisposing syndrome. Last evaluated: 2026-07-06. Review status: criteria provided, single submitter. Criteria: Ambry Variant Classification Scheme 2023. Collection method: clinical testing. Allele origin: germline.
Comment: The p.S476A variant (also known as c.1426T>G), located in coding exon 11 of the NBN gene, results from a T to G substitution at nucleotide position 1426. The serine at codon 476 is replaced by alanine, an amino acid with similar properties. This amino acid position is conserved. In addition, this alteration is predicted to be tolerated by in silico analysis. Based on the available evidence, the clinical significance of this variant remains unclear.

NM_002485.5(NBN):c.1426T>G (p.Ser476Ala)

Gene: NBN (nibrin; minus strand). Cytogenetic location: 8q21.3.
Variant type: single nucleotide variant.
Coding change: c.1426T>G on transcript NM_002485.5 (MANE Select); coding-DNA position 1426, T replaced by G.
Protein change: p.Ser476Ala; replaces serine 476 with alanine.
Molecular consequence: missense variant.
Genome position (GRCh38, 1-based): chr8:89,953,663, A>C on the plus strand (T>G on the coding strand, the complement: NBN is on the minus strand). VCF-style: chr8-89953663-A-C. GRCh37 (hg19) VCF-style: chr8-90965891-A-C.
Other names: c.1180T>G, p.Ser394Ala (NM_001024688.3, NM_001440379.1, NM_001440380.1); short protein forms S476A, S394A.
Identifiers: ClinVar variation 5025364 (VCV005025364.1).